The following is an entry in ClinVar:

NM_001558.4(IL10RA):c.470A>G (p.Tyr157Cys)

Gene: IL10RA (interleukin 10 receptor subunit alpha; plus strand). Cytogenetic location: 11q23.3.
Variant type: single nucleotide variant.
Coding change: c.470A>G on transcript NM_001558.4 (MANE Select); coding-DNA position 470, A replaced by G.
Protein change: p.Tyr157Cys; replaces tyrosine 157 with cysteine.
Molecular consequence: missense variant. On other transcripts: non-coding transcript variant (1).
Genome position (GRCh38, 1-based): chr11:117,993,343, A>G. VCF-style: chr11-117993343-A-G. GRCh37 (hg19) VCF-style: chr11-117864058-A-G.
Other names: short protein forms Y157C.
Identifiers: ClinVar variation 2137257 (VCV002137257.4), dbSNP rs1027503096, ClinGen allele CA229444751.

ClinVar aggregate classification (germline): Pathogenic (1 of 4 stars; one submission).

Conditions:
Inflammatory bowel disease 28. Also called: Inflammatory bowel disease 28, early onset, autosomal recessive. Identifiers: Orphanet 238569, MedGen C2751053, MONDO:0013153, OMIM 613148.

Allele frequency attached by ClinVar (database versions not stated): TOPMed 0.00001.

Submission:

Labcorp Genetics (formerly Invitae), Labcorp
Classification: Pathogenic for Inflammatory bowel disease 28. Last evaluated: 2025-11-03. Review status: criteria provided, single submitter. Criteria: Invitae Variant Classification Sherloc (09022015). Collection method: clinical testing. Allele origin: germline.
Comment: This sequence change replaces tyrosine, which is neutral and polar, with cysteine, which is neutral and slightly polar, at codon 157 of the IL10RA protein (p.Tyr157Cys). This variant is not present in population databases (gnomAD no frequency). This missense change has been observed in individual(s) with early onset inflammatory bowel disease (PMID: 28267044, 29531467, 30894704). In at least one individual the data is consistent with being in trans (on the opposite chromosome) from a pathogenic variant. ClinVar contains an entry for this variant (Variation ID: 2137257). Invitae Evidence Modeling of protein sequence and biophysical properties (such as structural, functional, and spatial information, amino acid conservation, physicochemical variation, residue mobility, and thermodynamic stability) indicates that this missense variant is expected to disrupt IL10RA protein function with a positive predictive value of 80%. For these reasons, this variant has been classified as Pathogenic.

Literature cited by the submitters: PubMed 28267044; PubMed 29531467; PubMed 30894704.